The following is an entry in ClinVar:

ClinVar aggregate classification (germline): Uncertain significance. Review status: criteria provided, multiple submitters, no conflicts (2 of 4 stars). 3 submissions from 3 submitters: Uncertain significance (2). 1 of the submissions does not count toward it. Last evaluated 2021-08-27.

Conditions:
Primary ciliary dyskinesia. Also called: Ciliary dyskinesia. Identifiers: Orphanet 244, MedGen C0008780, MONDO:0016575, HP:0012265.
Primary ciliary dyskinesia 9. Also called: CILIARY DYSKINESIA, PRIMARY, 9, WITH OR WITHOUT SITUS INVERSUS. Identifiers: Orphanet 244, MedGen C2676235, MONDO:0012906, OMIM 612444.

Allele frequency attached by ClinVar (database versions not stated): TOPMed 0.00002; ESP Exome Variant Server 0.00008; 1000 Genomes Project 30x 0.00016.
gnomAD v4.1: 43 of 1,614,172 alleles (0.0027%); highest among the groups gnomAD compares: Non-Finnish European, 0.0032%; no homozygotes.

Submissions (3):

Labcorp Genetics (formerly Invitae), Labcorp
Classification: Uncertain significance for Primary ciliary dyskinesia. Last evaluated: 2021-08-27. Review status: criteria provided, single submitter. Criteria: Invitae Variant Classification Sherloc (09022015). Collection method: clinical testing. Allele origin: germline.
Comment: This sequence change replaces proline with glutamine at codon 377 of the DNAI2 protein (p.Pro377Gln). The proline residue is highly conserved and there is a moderate physicochemical difference between proline and glutamine. This variant is present in population databases (rs199726930, ExAC 0.004%). This variant has not been reported in the literature in individuals affected with DNAI2-related conditions. Algorithms developed to predict the effect of missense changes on protein structure and function are either unavailable or do not agree on the potential impact of this missense change (SIFT: "Deleterious"; PolyPhen-2: "Possibly Damaging"; Align-GVGD: "Class C0"). Algorithms developed to predict the effect of sequence changes on RNA splicing suggest that this variant may create or strengthen a splice site. In summary, the available evidence is currently insufficient to determine the role of this variant in disease. Therefore, it has been classified as a Variant of Uncertain Significance.

Illumina Laboratory Services, Illumina
Classification: Uncertain significance for Primary ciliary dyskinesia 9. Last evaluated: 2018-01-12. Review status: criteria provided, single submitter. Criteria: ICSL Variant Classification Criteria 13 December 2019. Collection method: clinical testing. Allele origin: germline.

Natera, Inc.
Classification: Uncertain significance for Primary ciliary dyskinesia. Last evaluated: 2020-03-11. Review status: no assertion criteria provided. Collection method: clinical testing. Allele origin: germline. Not counted in ClinVar's aggregate classification.

NM_023036.6(DNAI2):c.1130C>A (p.Pro377Gln)

Gene: DNAI2 (dynein axonemal intermediate chain 2; plus strand). Cytogenetic location: 17q25.1.
Variant type: single nucleotide variant.
Coding change: c.1130C>A on transcript NM_023036.6 (MANE Select); coding-DNA position 1130, C replaced by A.
Protein change: p.Pro377Gln; replaces proline 377 with glutamine.
Molecular consequence: missense variant. On other transcripts: non-coding transcript variant (1).
Genome position (GRCh38, 1-based): chr17:74,305,361, C>A. VCF-style: chr17-74305361-C-A. GRCh37 (hg19) VCF-style: chr17-72301500-C-A.
Other names: c.1130C>A, p.Pro377Gln (NM_001172810.3, NM_001353167.2); short protein forms P377Q.
Identifiers: ClinVar variation 654627 (VCV000654627.12), dbSNP rs199726930, ClinGen allele CA8745612.